The following is an entry in ClinVar:

NM_004281.4(BAG3):c.1060A>G (p.Lys354Glu)

Gene: BAG3 (BAG cochaperone 3; plus strand). Cytogenetic location: 10q26.11.
Variant type: single nucleotide variant.
Coding change: c.1060A>G on transcript NM_004281.4 (MANE Select); coding-DNA position 1060, A replaced by G.
Protein change: p.Lys354Glu; replaces lysine 354 with glutamic acid.
Molecular consequence: missense variant.
Genome position (GRCh38, 1-based): chr10:119,676,614, A>G. VCF-style: chr10-119676614-A-G. GRCh37 (hg19) VCF-style: chr10-121436126-A-G.
Other names: short protein forms K354E.
Identifiers: ClinVar variation 2109192 (VCV002109192.5), dbSNP rs1847238395, ClinGen allele CA378296557.
Genomic context (GRCh38, chr10:119,676,614, plus strand): 5'-CCTGGACACATCCCAATTCAAGTGATCCGCAAAGAGGTGGATTCTAAACCTGTTTCCCAG[A>G]AGCCCCCACCTCCCTCTGAGAAGGTAGAGGTGAAAGTTCCCCCTGCTCCAGTTCCTTGTC-3'
Protein context (NP_004272.2, residues 344-364): KEVDSKPVSQ[Lys354Glu]PPPPSEKVEV

ClinVar aggregate classification (germline): Uncertain significance. Review status: criteria provided, multiple submitters, no conflicts (2 of 4 stars). 2 submissions from 2 submitters: Uncertain significance (2). Last evaluated 2026-07-07.

Conditions:
Cardiovascular phenotype. Identifiers: MedGen CN230736.
Myofibrillar myopathy 6. Identifiers: Orphanet 199340, MedGen C2751831, MONDO:0013061, OMIM 612954.
Dilated cardiomyopathy 1HH (CMD1HH). Identifiers: Orphanet 154, MedGen C3151293, MONDO:0013479, OMIM 613881.

Allele frequency attached by ClinVar (database versions not stated): TOPMed below 0.00001.

Submissions (2):

Ambry Genetics
Classification: Uncertain significance for Cardiovascular phenotype. Last evaluated: 2026-07-07. Review status: criteria provided, single submitter. Criteria: Ambry Variant Classification Scheme 2023. Collection method: clinical testing. Allele origin: germline.
Comment: The p.K354E variant (also known as c.1060A>G), located in coding exon 4 of the BAG3 gene, results from an A to G substitution at nucleotide position 1060. The lysine at codon 354 is replaced by glutamic acid, an amino acid with similar properties. This amino acid position is conserved. In addition, the in silico prediction for this alteration is inconclusive. Based on the available evidence, the clinical significance of this variant remains unclear.

Labcorp Genetics (formerly Invitae), Labcorp
Classification: Uncertain significance for Dilated cardiomyopathy 1HH; Myofibrillar myopathy 6. Last evaluated: 2025-09-21. Review status: criteria provided, single submitter. Criteria: Invitae Variant Classification Sherloc (09022015). Collection method: clinical testing. Allele origin: germline.
Comment: This sequence change replaces lysine, which is basic and polar, with glutamic acid, which is acidic and polar, at codon 354 of the BAG3 protein (p.Lys354Glu). This variant is not present in population databases (gnomAD no frequency). This variant has not been reported in the literature in individuals affected with BAG3-related conditions. ClinVar contains an entry for this variant (Variation ID: 2109192). Invitae Evidence Modeling of protein sequence and biophysical properties (such as structural, functional, and spatial information, amino acid conservation, physicochemical variation, residue mobility, and thermodynamic stability) indicates that this missense variant is not expected to disrupt BAG3 protein function with a negative predictive value of 80%. In summary, the available evidence is currently insufficient to determine the role of this variant in disease. Therefore, it has been classified as a Variant of Uncertain Significance.